The following is an entry in ClinVar:

NM_005045.4(RELN):c.9235G>T (p.Ala3079Ser)

Genes: RELN (reelin; minus strand), SLC26A5-AS1 (SLC26A5 antisense RNA 1; plus strand). Cytogenetic location: 7q22.1.
Variant type: single nucleotide variant.
Coding change: c.9235G>T on transcript NM_005045.4 (MANE Select); coding-DNA position 9235, G replaced by T.
Protein change: p.Ala3079Ser; replaces alanine 3079 with serine.
Molecular consequence: missense variant.
Genome position (GRCh38, 1-based): chr7:103,495,857, C>A on the plus strand (G>T on the coding strand, the complement: RELN is on the minus strand). VCF-style: chr7-103495857-C-A. GRCh37 (hg19) VCF-style: chr7-103136304-C-A.
Other names: c.9235G>T, p.Ala3079Ser (NM_173054.3); short protein forms A3079S.
Identifiers: ClinVar variation 2135173 (VCV002135173.4), dbSNP rs935714482, ClinGen allele CA163908699.

ClinVar aggregate classification (germline): Uncertain significance (1 of 4 stars; one submission).

Conditions:
Norman-Roberts syndrome (LIS2). Also called: Lissencephaly 2 (Norman-Roberts type). Identifiers: Orphanet 89844, MedGen C0796089, MONDO:0009760, OMIM 257320.
Familial temporal lobe epilepsy 7. Identifiers: Orphanet 101046, MedGen C4225327, MONDO:0014639, OMIM 616436.

Allele frequency attached by ClinVar (database versions not stated): TOPMed below 0.00001.

Submission:

Labcorp Genetics (formerly Invitae), Labcorp
Classification: Uncertain significance for Familial temporal lobe epilepsy 7; Norman-Roberts syndrome. Last evaluated: 2022-05-07. Review status: criteria provided, single submitter. Criteria: Invitae Variant Classification Sherloc (09022015). Collection method: clinical testing. Allele origin: germline.
Comment: This variant has not been reported in the literature in individuals affected with RELN-related conditions. This sequence change replaces alanine, which is neutral and non-polar, with serine, which is neutral and polar, at codon 3079 of the RELN protein (p.Ala3079Ser). This variant is not present in population databases (gnomAD no frequency). Algorithms developed to predict the effect of missense changes on protein structure and function are either unavailable or do not agree on the potential impact of this missense change (SIFT: "Deleterious"; PolyPhen-2: "Benign"; Align-GVGD: "Class C0"). In summary, the available evidence is currently insufficient to determine the role of this variant in disease. Therefore, it has been classified as a Variant of Uncertain Significance.